The following is an entry in ClinVar:

GRCh37/hg19 3q29(chr3:195690228-197356334)x1

Genes: BDH1 (3-hydroxybutyrate dehydrogenase 1), CEP19 (centrosomal protein 19; minus strand), DLG1 (discs large MAGUK scaffold protein 1; minus strand), DYNLT2B (dynein light chain Tctex-type 2B; minus strand), FBXO45 (F-box protein 45; plus strand) and 16 more. Cytogenetic location: 3q29.
Variant type: copy number loss.
Change: copy number 1 (one copy instead of two) of chr3:195,690,228-197,356,334 (1.67 Mb, GRCh37 coordinates, 1-based), cytogenetic band 3q29.
Identifiers: ClinVar variation 1808666 (VCV001808666.1).

ClinVar aggregate classification (germline): Pathogenic (1 of 4 stars; one submission).

Submission:

Quest Diagnostics Nichols Institute San Juan Capistrano
Classification: Pathogenic. Last evaluated: 2023-10-18. Review status: criteria provided, single submitter. Criteria: ACMG/ClinGen CNV Guidelines, 2019. Collection method: clinical testing. Allele origin: unknown.
Comment: This copy number loss is consistent with chromosome 3q29 microdeletion syndrome (ISCA-37443; OMIM 609425; Willatt et al., Am J Hum Genet. 2005 Jul;77(1):154-60, PMID: 15918153; Ballif et al., Mol Cytogenet. 2008 Apr 28;1:8, PMID: 18471269; Digilio et al., Am J Med Genet 2009, 149A:1777-1781, PMID: 19610115 ; Li et al., Eur J Med Genet 2009, 52:349-353, PMID:19460468; Mulle et al., Am J Hum Genet 2010, 87:229-236, PMID:20691406). Therefore, this CNV is classified as pathogenic.